The following is an entry in ClinVar:

NM_000264.5(PTCH1):c.3584C>A (p.Thr1195Lys)

Gene: PTCH1 (patched 1; minus strand). Cytogenetic location: 9q22.32.
Variant type: single nucleotide variant.
Coding change: c.3584C>A on transcript NM_000264.5 (MANE Select); coding-DNA position 3584, C replaced by A.
Protein change: p.Thr1195Lys; replaces threonine 1195 with lysine.
Molecular consequence: missense variant. On other transcripts: non-coding transcript variant (1).
Genome position (GRCh38, 1-based): chr9:95,449,289, G>T on the plus strand (C>A on the coding strand, the complement: PTCH1 is on the minus strand). VCF-style: chr9-95449289-G-T. GRCh37 (hg19) VCF-style: chr9-98211571-G-T.
Other names: c.3386C>A, p.Thr1129Lys (NM_001083602.3); c.3581C>A, p.Thr1194Lys (NM_001083603.3); c.3131C>A, p.Thr1044Lys (NM_001083604.3, NM_001083605.3, NM_001083606.3 and 1 more transcripts); c.3428C>A, p.Thr1143Lys (NM_001354918.2); short protein forms T1044K, T1143K, T1194K, T1129K, T1195K.
Identifiers: ClinVar variation 3635837 (VCV003635837.2).

ClinVar aggregate classification (germline): Uncertain significance (1 of 4 stars; one submission).

Conditions:
Gorlin syndrome. Also called: Nevoid Basal Cell Carcinoma Syndrome; Basal cell nevus syndrome. Identifiers: Orphanet 377, MedGen C0004779, MONDO:0007187.

Submission:

Labcorp Genetics (formerly Invitae), Labcorp
Classification: Uncertain significance for Gorlin syndrome. Last evaluated: 2024-05-21. Review status: criteria provided, single submitter. Criteria: Invitae Variant Classification Sherloc (09022015). Collection method: clinical testing. Allele origin: germline.
Comment: This sequence change replaces threonine, which is neutral and polar, with lysine, which is basic and polar, at codon 1195 of the PTCH1 protein (p.Thr1195Lys). This variant is not present in population databases (gnomAD no frequency). This variant has not been reported in the literature in individuals affected with PTCH1-related conditions. Advanced modeling of protein sequence and biophysical properties (such as structural, functional, and spatial information, amino acid conservation, physicochemical variation, residue mobility, and thermodynamic stability) performed at Invitae indicates that this missense variant is not expected to disrupt PTCH1 protein function with a negative predictive value of 95%. In summary, the available evidence is currently insufficient to determine the role of this variant in disease. Therefore, it has been classified as a Variant of Uncertain Significance.